The following is an entry in ClinVar:

ClinVar aggregate classification (germline): Uncertain significance (1 of 4 stars; one submission).

Submission:

Women's Health and Genetics/Laboratory Corporation of America, LabCorp
Classification: Uncertain significance. Last evaluated: 2021-11-07. Review status: criteria provided, single submitter. Criteria: LabCorp Variant Classification Summary - May 2015. Collection method: clinical testing. Allele origin: germline.
Comment: Variant summary: A2ML1 c.1022C>A (p.Ser341X) results in a premature termination codon, predicted to cause a truncation of the encoded protein or absence of the protein due to nonsense mediated decay, however, it is not a known mechanisms for disease. The variant was absent in 249474 control chromosomes (gnomAD). The available data on variant occurrences in the general population are insufficient to allow any conclusion about variant significance. To our knowledge, no occurrence of c.1022C>A in individuals affected with Noonan Syndrome and no experimental evidence demonstrating its impact on protein function have been reported. No clinical diagnostic laboratories have submitted clinical-significance assessments for this variant to ClinVar after 2014. Based on the evidence outlined above, the variant was classified as uncertain significance.

NM_144670.6(A2ML1):c.1022C>A (p.Ser341Ter)

Gene: A2ML1 (alpha-2-macroglobulin like 1; plus strand). Cytogenetic location: 12p13.31.
Variant type: single nucleotide variant.
Coding change: c.1022C>A on transcript NM_144670.6 (MANE Select); coding-DNA position 1022, C replaced by A.
Protein change: p.Ser341Ter; replaces serine 341 with a stop codon.
Molecular consequence: nonsense.
Genome position (GRCh38, 1-based): chr12:8,839,164, C>A. VCF-style: chr12-8839164-C-A. GRCh37 (hg19) VCF-style: chr12-8991760-C-A.
Other names: short protein forms S341*.
Identifiers: ClinVar variation 1329064 (VCV001329064.1), dbSNP rs1943384970, ClinGen allele CA383823639.